The following is an entry in ClinVar:

NM_003200.5(TCF3):c.1451G>T (p.Gly484Val)

Gene: TCF3 (transcription factor 3; minus strand). Cytogenetic location: 19p13.3.
Variant type: single nucleotide variant.
Coding change: c.1451G>T on transcript NM_003200.5 (MANE Select); coding-DNA position 1451, G replaced by T.
Protein change: p.Gly484Val; replaces glycine 484 with valine.
Molecular consequence: missense variant.
Genome position (GRCh38, 1-based): chr19:1,615,821, C>A on the plus strand (G>T on the coding strand, the complement: TCF3 is on the minus strand). VCF-style: chr19-1615821-C-A. GRCh37 (hg19) VCF-style: chr19-1615820-C-A.
Other names: c.1451G>T, p.Gly484Val (NM_001136139.4, NM_001351779.2); c.1448G>T, p.Gly483Val (NM_001351778.2); short protein forms G483V, G484V.
Identifiers: ClinVar variation 2421465 (VCV002421465.7), dbSNP rs2513331176, ClinGen allele CA403051798.
Genomic context (GRCh38, chr19:1,615,821, plus strand): 5'-TCCTCCTTCTCCTCCCGCTTGATCTCGCTGGCGGCCGCCGTGGCACCTGCTCGCCCTAGC[C>A]CTGCAACAGGCCTAGGGTCAGGGGCCTGCGTCGGCCTCCAGGGCCAACTGACATATCTCT-3'
Protein context (NP_003191.1, residues 474-494): DLSRPPDSYS[Gly484Val]LGRAGATAAA

ClinVar aggregate classification (germline): Uncertain significance. Review status: criteria provided, multiple submitters, no conflicts (2 of 4 stars). 2 submissions from 2 submitters: Uncertain significance (2). Last evaluated 2024-10-07.

Allele frequency attached by ClinVar (database versions not stated): gnomAD exomes below 0.00001.
gnomAD v4.1: 1 of 1,555,774 alleles (0.000064%); highest among the groups gnomAD compares: Non-Finnish European, 0.000087%; no homozygotes.

Submissions (2):

Labcorp Genetics (formerly Invitae), Labcorp
Classification: Uncertain significance. Last evaluated: 2024-10-07. Review status: criteria provided, single submitter. Criteria: Invitae Variant Classification Sherloc (09022015). Collection method: clinical testing. Allele origin: germline.
Comment: This sequence change replaces glycine, which is neutral and non-polar, with valine, which is neutral and non-polar, at codon 484 of the TCF3 protein (p.Gly484Val). This variant is not present in population databases (gnomAD no frequency). This variant has not been reported in the literature in individuals affected with TCF3-related conditions. ClinVar contains an entry for this variant (Variation ID: 2421465). Experimental studies and prediction algorithms are not available or were not evaluated, and the functional significance of this variant is currently unknown. In summary, the available evidence is currently insufficient to determine the role of this variant in disease. Therefore, it has been classified as a Variant of Uncertain Significance.

Blueprint Genetics
Classification: Uncertain significance. Last evaluated: 2024-03-26. Review status: criteria provided, single submitter. Criteria: ACMG Guidelines, 2015. Collection method: clinical testing. Allele origin: germline.